The following is an entry in ClinVar:

ClinVar aggregate classification (germline): Pathogenic (1 of 4 stars; one submission).

Conditions:
Multiple congenital exostosis (EXT). Also called: Multiple exostoses; MULTIPLE CARTILAGINOUS EXOSTOSES; Multiple osteochondromas; Hereditary multiple osteochondromas; Hereditary multiple exostoses; Hereditary multiple exostosis. Identifiers: Orphanet 321, MedGen C0015306, MONDO:0005508, HP:0002762.

Submission:

Labcorp Genetics (formerly Invitae), Labcorp
Classification: Pathogenic for Multiple congenital exostosis. Last evaluated: 2019-03-22. Review status: criteria provided, single submitter. Criteria: Invitae Variant Classification Sherloc (09022015). Collection method: clinical testing. Allele origin: unknown.
Comment: For these reasons, this variant has been classified as Pathogenic. Loss-of-function variants in EXT1 are known to be pathogenic (PMID: 10679937, 11391482, 19810120). This variant disrupts the p.Arg280 amino acid residue in EXT1. Other variant(s) that disrupt this residue have been determined to be pathogenic (PMID: 9521425,¬†9463333). This suggests that this residue is clinically-significant, and that variants that disrupt this residue are likely to be disease-causing. This variant has not been reported in the literature in individuals with EXT1-related conditions. This variant is a deletion of the genomic region encompassing part of exon 1 (c.123_962+1814del) of the EXT1 gene. It is expected to disrupt RNA splicing and likely results in an absent or disrupted protein product.

Literature cited by the submitters: PubMed 10679937; PubMed 11391482; PubMed 19810120; PubMed 9521425.

NC_000008.10:g.(?_119120510)_(119123163_?)del

Gene: EXT1 (exostosin glycosyltransferase 1; minus strand). Cytogenetic location: 8q24.11.
Variant type: Deletion.
Identifiers: ClinVar variation 3245408 (VCV003245408.1).